The following is an entry in ClinVar:

ClinVar aggregate classification (germline): Pathogenic (1 of 4 stars; one submission).

Submission:

Labcorp Genetics (formerly Invitae), Labcorp
Classification: Pathogenic. Last evaluated: 2026-01-28. Review status: criteria provided, single submitter. Criteria: Invitae Variant Classification Sherloc (09022015). Collection method: clinical testing. Allele origin: germline.
Comment: This sequence change creates a premature translational stop signal (p.His314Argfs*55) in the CERKL gene. It is expected to result in an absent or disrupted protein product. Loss-of-function variants in CERKL are known to be pathogenic (PMID: 14681825, 23591405, 24043777). This variant is not present in population databases (gnomAD no frequency). This premature translational stop signal has been observed in individual(s) with inherited retinal dystrophy (PMID: 38219857). For these reasons, this variant has been classified as Pathogenic.

Literature cited by the submitters: PubMed 14681825; PubMed 23591405; PubMed 24043777; PubMed 38219857.

NM_201548.5(CERKL):c.863_864del (p.His288fs)

Gene: CERKL (CERK like autophagy regulator; minus strand). Cytogenetic location: 2q31.3.
Variant type: Deletion.
Coding change: c.863_864del on transcript NM_201548.5 (MANE Select); coding-DNA positions 863 to 864, 2 bases deleted (AT; older notation c.863_864delAT).
Protein change: p.His288fs; shifts the reading frame from histidine 288.
Molecular consequence: frameshift variant. On other transcripts: non-coding transcript variant (2).
Genome position (GRCh38, 1-based): chr2:181,549,665-181,549,666, AT deleted on the plus strand (AT on the coding strand, the reverse complement: CERKL is on the minus strand). VCF-style (leftmost placement, unchanged base first): chr2-181549664-CAT-C. GRCh37 (hg19) VCF-style: chr2-182414391-CAT-C.
Other names: c.941_942del, p.His314fs (NM_001030311.3); c.524_525del, p.His175fs (NM_001030312.3); c.656_657del, p.His219fs (NM_001030313.3); c.809_810del, p.His270fs (NM_001160277.2); short protein forms H175fs, H219fs, H270fs, H314fs, H288fs.
Identifiers: ClinVar variation 4704877 (VCV004704877.1).